The following is an entry in ClinVar:

ClinVar aggregate classification (germline): Pathogenic/Likely pathogenic. Review status: criteria provided, multiple submitters, no conflicts (2 of 4 stars). 4 submissions from 4 submitters: Pathogenic (2); Likely pathogenic (2). Last evaluated 2026-01-31.

Conditions:
Cardiovascular phenotype. Identifiers: MedGen CN230736.
Lipase deficiency, combined. Also called: LIPOPROTEIN LIPASE DEFICIENCY WITH HEPATIC TRIGLYCERIDE LIPASE DEFICIENCY; LPL AND HL DEFICIENCY; LPL AND HTGL DEFICIENCY. Identifiers: Orphanet 535453, MedGen C1855498, MONDO:0009527, OMIM 246650.

Allele frequency attached by ClinVar (database versions not stated): gnomAD 0.00001; gnomAD exomes 0.00003 and 0.00005; ESP Exome Variant Server 0.00008; ExAC 0.00010.

Submissions (4):

Labcorp Genetics (formerly Invitae), Labcorp
Classification: Pathogenic. Last evaluated: 2026-01-31. Review status: criteria provided, single submitter. Criteria: Invitae Variant Classification Sherloc (09022015). Collection method: clinical testing. Allele origin: germline.
Comment: This sequence change creates a premature translational stop signal (p.Arg233*) in the LMF1 gene. It is expected to result in an absent or disrupted protein product. Loss-of-function variants in LMF1 are known to be pathogenic (PMID: 17994020, 19820022, 22239554). This variant is present in population databases (rs199953320, gnomAD 0.02%). This premature translational stop signal has been observed in individual(s) with clinical features of chylomicronemia (PMID: 29748148). ClinVar contains an entry for this variant (Variation ID: 1677881). For these reasons, this variant has been classified as Pathogenic.

Ambry Genetics
Classification: Pathogenic for Cardiovascular phenotype. Last evaluated: 2023-12-04. Review status: criteria provided, single submitter. Criteria: Ambry Variant Classification Scheme 2023. Collection method: clinical testing. Allele origin: germline.
Comment: The c.697C>T (p.R233*) alteration, located in exon 5 (coding exon 5) of the LMF1 gene, consists of a C to T substitution at nucleotide position 697. This changes the amino acid from a arginine (R) to a stop codon at amino acid position 233. This alteration is expected to result in loss of function by premature protein truncation or nonsense-mediated mRNA decay. Based on data from gnomAD, the T allele has an overall frequency of 0.005% (8/158216) total alleles studied. The highest observed frequency was 0.022% (5/22866) of South Asian alleles. This alteration was detected in the homozygous state in an individual with clinical features of chylomicronemia (Tanaka, 2023). Based on the available evidence, this alteration is classified as pathogenic.

AiLife Diagnostics
Classification: Likely pathogenic. Last evaluated: 2022-02-02. Review status: criteria provided, single submitter. Criteria: ACMG Guidelines, 2015. Collection method: clinical testing. Allele origin: germline. Affected: yes. Observed: 1 variant allele.

Genetics and Genomic Medicine Centre, NeuroGen Healthcare, NeuroGen Healthcare
Classification: Likely pathogenic for Lipase deficiency, combined. Last evaluated: 2019-12-22. Review status: criteria provided, single submitter. Criteria: Submitter's publication. Collection method: clinical testing. Allele origin: unknown. Affected: no.

Literature cited by the submitters: PubMed 17994020 (cited by Labcorp Genetics (formerly Invitae), Labcorp); PubMed 19820022 (cited by Labcorp Genetics (formerly Invitae), Labcorp); PubMed 22239554 (cited by Labcorp Genetics (formerly Invitae), Labcorp); PubMed 29748148 (cited by Labcorp Genetics (formerly Invitae), Labcorp and AiLife Diagnostics); PubMed 37005154 (cited by Ambry Genetics); PubMed 32041611 (cited by AiLife Diagnostics).

NM_022773.4(LMF1):c.697C>T (p.Arg233Ter)

Gene: LMF1 (lipase maturation factor 1; minus strand). Cytogenetic location: 16p13.3.
Variant type: single nucleotide variant.
Coding change: c.697C>T on transcript NM_022773.4 (MANE Select); coding-DNA position 697, C replaced by T.
Protein change: p.Arg233Ter; replaces arginine 233 with a stop codon.
Molecular consequence: nonsense. On other transcripts: non-coding transcript variant (1).
Genome position (GRCh38, 1-based): chr16:893,039, G>A on the plus strand (C>T on the coding strand, the complement: LMF1 is on the minus strand). VCF-style: chr16-893039-G-A. GRCh37 (hg19) VCF-style: chr16-943039-G-A.
Other names: c.46C>T, p.Arg16Ter (NM_001352017.2, NM_001352021.2); c.298C>T, p.Arg100Ter (NM_001352018.2); c.370C>T, p.Arg124Ter (NM_001352019.2); c.697C>T, p.Arg233Ter (NM_001352020.1); c.697C>T (NM_022773.2); short protein forms R100*, R124*, R16*, R233*.
Identifiers: ClinVar variation 1677881 (VCV001677881.5), dbSNP rs199953320, ClinGen allele CA7797408.